The following is an entry in ClinVar:

ClinVar aggregate classification (germline): Benign/Likely benign. Review status: criteria provided, multiple submitters, no conflicts (2 of 4 stars). 5 submissions from 5 submitters: Benign (1); Likely benign (4). Last evaluated 2025-09-28.

Conditions:
Cornelia de Lange syndrome 1 (CDLS1). Also called: Brachmann de Lange syndrome; NIPBL-Related Cornelia de Lange Syndrome; TYPUS DEGENERATIVUS AMSTELODAMENSIS. Identifiers: Orphanet 199, MedGen C4551851, MONDO:0007387, OMIM 122470.
NIPBL-related disorder. Also called: NIPBL-related condition.
Inborn genetic diseases. Identifiers: MedGen C0950123, MeSH D030342.

Allele frequency attached by ClinVar (database versions not stated): gnomAD 0.00003; ExAC 0.00014.
gnomAD v4.1: 132 of 1,613,400 alleles (0.0082%); highest among the groups gnomAD compares: South Asian, 0.11%; no homozygotes.

Submissions (5):

PreventionGenetics, part of Exact Sciences
Classification: Likely benign for NIPBL-related condition. Last evaluated: 2025-09-28. Review status: criteria provided, single submitter. Criteria: ACMG Guidelines, 2015. Collection method: clinical testing. Allele origin: germline.
Comment: This variant is classified as likely benign based on ACMG/AMP sequence variant interpretation guidelines (Richards et al. 2015 PMID: 25741868, with internal and published modifications).

Blueprint Genetics
Classification: Likely benign. Last evaluated: 2024-04-16. Review status: criteria provided, single submitter. Criteria: ACMG Guidelines, 2015. Collection method: clinical testing. Allele origin: germline.

CeGaT Center for Human Genetics Tuebingen
Classification: Benign. Last evaluated: 2023-05-01. Review status: criteria provided, single submitter. Criteria: CeGaT Center For Human Genetics Tuebingen Variant Classification Criteria Version 2. Collection method: clinical testing. Allele origin: germline. Affected: yes. Observed: 3 variant alleles.
Comment: NIPBL: BS1, BS2

Ambry Genetics
Classification: Likely benign for Inborn genetic diseases. Last evaluated: 2023-04-03. Review status: criteria provided, single submitter. Criteria: Ambry Variant Classification Scheme 2023. Collection method: clinical testing. Allele origin: germline.

Labcorp Genetics (formerly Invitae), Labcorp
Classification: Likely benign for Cornelia de Lange syndrome 1. Last evaluated: 2022-09-18. Review status: criteria provided, single submitter. Criteria: Invitae Variant Classification Sherloc (09022015). Collection method: clinical testing. Allele origin: germline.

NM_133433.4(NIPBL):c.2228G>A (p.Arg743His)

Gene: NIPBL (NIPBL cohesin loading factor; plus strand). Cytogenetic location: 5p13.2.
Variant type: single nucleotide variant.
Coding change: c.2228G>A on transcript NM_133433.4 (MANE Select); coding-DNA position 2228, G replaced by A.
Protein change: p.Arg743His; replaces arginine 743 with histidine.
Molecular consequence: missense variant.
Genome position (GRCh38, 1-based): chr5:36,985,408, G>A. VCF-style: chr5-36985408-G-A. GRCh37 (hg19) VCF-style: chr5-36985510-G-A.
Other names: c.2228G>A, p.Arg743His (NM_015384.5); short protein forms R743H.
Identifiers: ClinVar variation 1788024 (VCV001788024.35), dbSNP rs755001260, ClinGen allele CA3236146.